The following is an entry in ClinVar:

ClinVar aggregate classification (germline): Uncertain significance (1 of 4 stars; one submission).

Conditions:
Alpha-methylacyl-CoA racemase deficiency (AMACRD). Also called: AMACR deficiency. Identifiers: Orphanet 79095, MedGen C3280428, MONDO:0013681, OMIM 614307. Disease mechanism: loss of function.

gnomAD v4.1: 6 of 1,611,516 alleles (0.00037%); highest among the groups gnomAD compares: Non-Finnish European, 0.00051%; no homozygotes.

Submission:

Labcorp Genetics (formerly Invitae), Labcorp
Classification: Uncertain significance for Alpha-methylacyl-CoA racemase deficiency. Last evaluated: 2024-04-15. Review status: criteria provided, single submitter. Criteria: Invitae Variant Classification Sherloc (09022015). Collection method: clinical testing. Allele origin: germline.
Comment: This sequence change replaces alanine, which is neutral and non-polar, with threonine, which is neutral and polar, at codon 15 of the AMACR protein (p.Ala15Thr). The frequency data for this variant in the population databases is considered unreliable, as metrics indicate poor data quality at this position in the gnomAD database. This variant has not been reported in the literature in individuals affected with AMACR-related conditions. Advanced modeling of protein sequence and biophysical properties (such as structural, functional, and spatial information, amino acid conservation, physicochemical variation, residue mobility, and thermodynamic stability) performed at Invitae indicates that this missense variant is expected to disrupt AMACR protein function with a positive predictive value of 80%. In summary, the available evidence is currently insufficient to determine the role of this variant in disease. Therefore, it has been classified as a Variant of Uncertain Significance.

NM_014324.6(AMACR):c.43G>A (p.Ala15Thr)

Genes: AMACR (alpha-methylacyl-CoA racemase; minus strand), C1QTNF3-AMACR (C1QTNF3-AMACR readthrough (NMD candidate); minus strand). Cytogenetic location: 5p13.2.
Variant type: single nucleotide variant.
Coding change: c.43G>A on transcript NM_014324.6 (MANE Select); coding-DNA position 43, G replaced by A.
Protein change: p.Ala15Thr; replaces alanine 15 with threonine.
Molecular consequence: missense variant.
Genome position (GRCh38, 1-based): chr5:34,007,977, C>T on the plus strand (G>A on the coding strand, the complement: AMACR is on the minus strand). VCF-style: chr5-34007977-C-T. GRCh37 (hg19) VCF-style: chr5-34008082-C-T.
Other names: c.43G>A, p.Ala15Thr (NM_001167595.2, NM_203382.3); short protein forms A15T.
Identifiers: ClinVar variation 3013997 (VCV003013997.2), dbSNP rs755722447, ClinGen allele CA116872899.